The following is an entry in ClinVar:

NM_001271803.2(REEP2):c.271T>C (p.Phe91Leu)

Gene: REEP2 (receptor accessory protein 2; plus strand). Cytogenetic location: 5q31.2.
Variant type: single nucleotide variant.
Coding change: c.271T>C on transcript NM_001271803.2 (MANE Select); coding-DNA position 271, T replaced by C.
Protein change: p.Phe91Leu; replaces phenylalanine 91 with leucine.
Molecular consequence: missense variant. On other transcripts: non-coding transcript variant (2).
Genome position (GRCh38, 1-based): chr5:138,444,503, T>C. VCF-style: chr5-138444503-T-C. GRCh37 (hg19) VCF-style: chr5-137780192-T-C.
Other names: c.271T>C, p.Phe91Leu (NM_016606.4); short protein forms F91L.
Identifiers: ClinVar variation 4712584 (VCV004712584.1).

ClinVar aggregate classification (germline): Uncertain significance (1 of 4 stars; one submission).

Conditions:
Hereditary spastic paraplegia 72 (SPG72A). Also called: Spastic paraplegia 72, autosomal recessive. Identifiers: Orphanet 401849, MedGen C5882669, MONDO:0014282, OMIM 615625.

Submission:

Labcorp Genetics (formerly Invitae), Labcorp
Classification: Uncertain significance for Hereditary spastic paraplegia 72. Last evaluated: 2025-02-08. Review status: criteria provided, single submitter. Criteria: Invitae Variant Classification Sherloc (09022015). Collection method: clinical testing. Allele origin: germline.
Comment: This sequence change replaces phenylalanine, which is neutral and non-polar, with leucine, which is neutral and non-polar, at codon 91 of the REEP2 protein (p.Phe91Leu). This variant is not present in population databases (gnomAD no frequency). This variant has not been reported in the literature in individuals affected with REEP2-related conditions. An algorithm developed to predict the effect of missense changes on protein structure and function (PolyPhen-2) suggests that this variant is likely to be disruptive. In summary, the available evidence is currently insufficient to determine the role of this variant in disease. Therefore, it has been classified as a Variant of Uncertain Significance.